The following is an entry in ClinVar:

NM_001291415.2(KDM6A):c.251T>A (p.Ile84Asn)

Gene: KDM6A (lysine demethylase 6A; plus strand). Cytogenetic location: Xp11.3.
Variant type: single nucleotide variant.
Coding change: c.251T>A on transcript NM_001291415.2 (MANE Select); coding-DNA position 251, T replaced by A.
Protein change: p.Ile84Asn; replaces isoleucine 84 with asparagine.
Molecular consequence: missense variant. On other transcripts: 5 prime UTR variant (1), non-coding transcript variant (1).
Genome position (GRCh38, 1-based): chrX:44,961,309, T>A. VCF-style: chrX-44961309-T-A. GRCh37 (hg19) VCF-style: chrX-44820554-T-A.
Other names: c.251T>A, p.Ile84Asn (NM_001291416.2, NM_001291417.2, NM_001291418.2 and 9 more transcripts); c.-382T>A (NM_001291421.2); short protein forms I84N.
Identifiers: ClinVar variation 3391453 (VCV003391453.1).

ClinVar aggregate classification (germline): Uncertain significance (1 of 4 stars; one submission).

Submission:

GeneDx
Classification: Uncertain significance. Last evaluated: 2024-06-22. Review status: criteria provided, single submitter. Criteria: GeneDx Variant Classification Process June 2021. Collection method: clinical testing. Allele origin: germline. Affected: yes.
Comment: Not observed at significant frequency in large population cohorts (gnomAD); In silico analysis supports that this missense variant has a deleterious effect on protein structure/function; Has not been previously published as pathogenic or benign to our knowledge